The following is an entry in ClinVar:

NM_001903.5(CTNNA1):c.1168G>A (p.Val390Ile)

Gene: CTNNA1 (catenin alpha 1; plus strand). Cytogenetic location: 5q31.2.
Variant type: single nucleotide variant.
Coding change: c.1168G>A on transcript NM_001903.5 (MANE Select); coding-DNA position 1168, G replaced by A.
Protein change: p.Val390Ile; replaces valine 390 with isoleucine.
Molecular consequence: missense variant. On other transcripts: 5 prime UTR variant (5), intron variant (2).
Genome position (GRCh38, 1-based): chr5:138,887,514, G>A. VCF-style: chr5-138887514-G-A. GRCh37 (hg19) VCF-style: chr5-138223203-G-A.
Other names: c.1168G>A (NM_001903.4); c.1168G>A, p.Val390Ile (NM_001290307.3, NM_001323982.2, NM_001323983.1 and 3 more transcripts); c.859G>A, p.Val287Ile (NM_001290309.3); c.799G>A, p.Val267Ile (NM_001290310.3); c.58G>A, p.Val20Ile (NM_001290312.1, NM_001323987.1, NM_001323988.1 and 18 more transcripts); c.-340G>A (NM_001324006.1, NM_001324007.1, NM_001324008.1 and 1 more transcripts); c.-215G>A (NM_001324013.1); c.-58+11917G>A (NM_001324012.1); and 1 more; short protein forms V267I, V287I, V20I, V390I.
Identifiers: ClinVar variation 665700 (VCV000665700.17), dbSNP rs774427164, ClinGen allele CA3431878.

ClinVar aggregate classification (germline): Conflicting classifications of pathogenicity. Review status: criteria provided, conflicting classifications (1 of 4 stars). 6 submissions from 6 submitters: Uncertain significance (5); Likely benign (1). Last evaluated 2026-01-28.

Conditions:
CTNNA1-related disorder. Also called: CTNNA1-related condition.
Hereditary cancer-predisposing syndrome. Also called: Tumor predisposition; Hereditary neoplastic syndrome; Hereditary Cancer Syndrome; Neoplastic Syndromes, Hereditary. Identifiers: Orphanet 140162, MedGen C0027672, MeSH D009386, MONDO:0015356.

Allele frequency attached by ClinVar (database versions not stated): gnomAD exomes 0.00001 and 0.00002; ExAC 0.00002; gnomAD 0.00002; TOPMed 0.00003.
gnomAD v4.1: 11 of 1,607,724 alleles (0.00068%); highest among the groups gnomAD compares: Middle Eastern, 0.016%; no homozygotes.

Submissions (6):

PreventionGenetics, part of Exact Sciences
Classification: Uncertain significance for CTNNA1-related condition. Last evaluated: 2026-01-28. Review status: criteria provided, single submitter. Criteria: ACMG Guidelines, 2015. Collection method: clinical testing. Allele origin: germline.
Comment: The CTNNA1 c.1168G>A variant is predicted to result in the amino acid substitution p.Val390Ile. This variant was reported in two individuals with gastric or breast cancer (Supp. Table 1, Clark et al. 2020. PubMed ID: 32051609). This variant is reported in 0.010% of alleles in individuals of South Asian descent in gnomAD. This variant has conflicting interpretations in ClinVar ranging from uncertain to likely benign (Variation ID: 665700). At this time, the clinical significance of this variant is uncertain due to the absence of conclusive functional and genetic evidence.

Labcorp Genetics (formerly Invitae), Labcorp
Classification: Uncertain significance. Last evaluated: 2025-09-19. Review status: criteria provided, single submitter. Criteria: Invitae Variant Classification Sherloc (09022015). Collection method: clinical testing. Allele origin: germline.
Comment: This sequence change replaces valine, which is neutral and non-polar, with isoleucine, which is neutral and non-polar, at codon 390 of the CTNNA1 protein (p.Val390Ile). This variant is present in population databases (rs774427164, gnomAD 0.01%). This variant has not been reported in the literature in individuals affected with CTNNA1-related conditions. ClinVar contains an entry for this variant (Variation ID: 665700). Invitae Evidence Modeling of protein sequence and biophysical properties (such as structural, functional, and spatial information, amino acid conservation, physicochemical variation, residue mobility, and thermodynamic stability) indicates that this missense variant is not expected to disrupt CTNNA1 protein function with a negative predictive value of 80%. In summary, the available evidence is currently insufficient to determine the role of this variant in disease. Therefore, it has been classified as a Variant of Uncertain Significance.

Unidad de Genética Molecular HGU Elche, Hospital General Universitario de Elche
Classification: Uncertain significance for Hereditary cancer-predisposing syndrome. Last evaluated: 2025-05-05. Review status: criteria provided, single submitter. Criteria: ACMG Guidelines, 2015. Collection method: clinical testing. Allele origin: germline. Affected: yes.
Comment: PM2 supporting; BP6 supporting

GeneDx
Classification: Uncertain significance. Last evaluated: 2023-10-25. Review status: criteria provided, single submitter. Criteria: GeneDx Variant Classification Process June 2021. Collection method: clinical testing. Allele origin: germline. Affected: yes.
Comment: In silico analysis supports that this missense variant does not alter protein structure/function; Observed in individuals referred for hereditary cancer multi-gene panel testing (PMID: 32051609); This variant is associated with the following publications: (PMID: 32051609)

Ambry Genetics
Classification: Likely benign for Hereditary cancer-predisposing syndrome. Last evaluated: 2023-10-16. Review status: criteria provided, single submitter. Criteria: Ambry Variant Classification Scheme 2023. Collection method: clinical testing. Allele origin: germline.

Blueprint Genetics
Classification: Uncertain significance. Last evaluated: 2018-11-26. Review status: criteria provided, single submitter. Criteria: ACMG Guidelines, 2015. Collection method: clinical testing. Allele origin: germline.

Literature cited by the submitters: PubMed 32051609 (cited by Ambry Genetics).